The following is an entry in ClinVar:

ClinVar aggregate classification (germline): Uncertain significance (1 of 4 stars; one submission).

Submission:

Labcorp Genetics (formerly Invitae), Labcorp
Classification: Uncertain significance. Last evaluated: 2022-05-27. Review status: criteria provided, single submitter. Criteria: Invitae Variant Classification Sherloc (09022015). Collection method: clinical testing. Allele origin: germline.
Comment: This sequence change replaces proline, which is neutral and non-polar, with threonine, which is neutral and polar, at codon 920 of the KIAA0556 protein (p.Pro920Thr). This variant is not present in population databases (gnomAD no frequency). This variant has not been reported in the literature in individuals affected with KIAA0556-related conditions. Algorithms developed to predict the effect of missense changes on protein structure and function (SIFT, PolyPhen-2, Align-GVGD) all suggest that this variant is likely to be tolerated. In summary, the available evidence is currently insufficient to determine the role of this variant in disease. Therefore, it has been classified as a Variant of Uncertain Significance.

NM_015202.5(KATNIP):c.2758C>A (p.Pro920Thr)

Gene: KATNIP (katanin interacting protein; plus strand). Cytogenetic location: 16p12.1.
Variant type: single nucleotide variant.
Coding change: c.2758C>A on transcript NM_015202.5 (MANE Select); coding-DNA position 2758, C replaced by A.
Protein change: p.Pro920Thr; replaces proline 920 with threonine.
Molecular consequence: missense variant.
Genome position (GRCh38, 1-based): chr16:27,749,718, C>A. VCF-style: chr16-27749718-C-A. GRCh37 (hg19) VCF-style: chr16-27761039-C-A.
Other names: short protein forms P920T.
Identifiers: ClinVar variation 2100243 (VCV002100243.4), dbSNP rs2081425461, ClinGen allele CA395324827.